The following is an entry in ClinVar:

NM_003060.4(SLC22A5):c.1064C>T (p.Ser355Leu)

Gene: SLC22A5 (solute carrier family 22 member 5; plus strand). Cytogenetic location: 5q31.1.
Variant type: single nucleotide variant.
Coding change: c.1064C>T on transcript NM_003060.4 (MANE Select); coding-DNA position 1064, C replaced by T.
Protein change: p.Ser355Leu; replaces serine 355 with leucine.
Molecular consequence: missense variant.
Genome position (GRCh38, 1-based): chr5:132,390,701, C>T. VCF-style: chr5-132390701-C-T. GRCh37 (hg19) VCF-style: chr5-131726393-C-T.
Other names: p.Ser355Leu; c.1136C>T, p.Ser379Leu (NM_001308122.2); short protein forms S355L, S379L.
Identifiers: ClinVar variation 1707661 (VCV001707661.11), dbSNP rs1385634398, ClinGen allele CA360807401.
Genomic context (GRCh38, chr5:132,390,701, plus strand): 5'-GAAAGATGTGGATACTGCTTTTCCAGCTTTCTTCTGCACTCTGTTTCAGGATGACCATAT[C>T]AGTGGGCTATTTTGGGCTTTCGCTTGATACTCCTAACTTGCATGGGGACATCTTTGTGAA-3'
Protein context (NP_003051.1, residues 345-365): IMSIMLWMTI[Ser355Leu]VGYFGLSLDT

ClinVar aggregate classification (germline): Likely pathogenic. Review status: criteria provided, multiple submitters, no conflicts (2 of 4 stars). 6 submissions from 6 submitters: Likely pathogenic (5). 1 of the submissions does not count toward it. Last evaluated 2026-04-15.

Conditions:
Renal carnitine transport defect (CDSP). Also called: Systemic primary carnitine deficiency; Carnitine transporter deficiency; Carnitine Deficiency, Systemic; CARNITINE DEFICIENCY, SYSTEMIC, DUE TO DEFECT IN RENAL REABSORPTION OF CARNITINE; CARNITINE TRANSPORTER, PLASMA-MEMBRANE, DEFICIENCY OF; CARNITINE UPTAKE DEFECT. Identifiers: Orphanet 158, MedGen C0342788, MONDO:0008919, OMIM 212140.

Allele frequency attached by ClinVar (database versions not stated): gnomAD exomes below 0.00001.
gnomAD v4.1: 2 of 1,613,150 alleles (0.00012%); highest among the groups gnomAD compares: East Asian, 0.0045%; no homozygotes.

Submissions (6):

GeneDx
Classification: Likely pathogenic. Last evaluated: 2026-04-15. Review status: criteria provided, single submitter. Criteria: GeneDx Variant Classification Process June 2021. Collection method: clinical testing. Allele origin: germline.
Comment: Identified with a second pathogenic variant in an asymptomatic mother ascertained through newborn screening of their child, but it is not known if the variants occurred on the same (in cis) or opposite (in trans) alleles (PMID: 20574985); Published functional studies demonstrate a damaging effect [In vitro studies show p.(S355L) impaired carnitine transport and resulted in mislocalization] (PMID: 36343260, 28841266); Not observed at significant frequency in large population cohorts (gnomAD); In silico analysis supports that this missense variant has a deleterious effect on protein structure/function; This variant is associated with the following publications: (PMID: 41620002, 36343260, 28841266, 34729741, 20574985, 36568374)

Myriad Genetics, Inc.
Classification: Likely pathogenic for Renal carnitine transport defect. Last evaluated: 2025-05-08. Review status: criteria provided, single submitter. Criteria: Myriad Autosomal Dominant, Autosomal Recessive and X-Linked Classification Criteria (2023). Collection method: clinical testing. Allele origin: unknown.
Comment: NM_003060.3(SLC22A5):c.1064C>T(S355L) is a missense variant classified as likely pathogenic in the context of primary carnitine deficiency. S355L has been observed in cases with relevant disease (PMID: 20574985, 36568374). Relevant functional assessments of this variant are available in the literature (PMID: 36343260, 28841266). Internal structural analysis of the variant is supportive of pathogenicity. S355L has been observed in referenced population frequency databases. In summary, NM_003060.3(SLC22A5):c.1064C>T(S355L) is a missense variant that has both functional and internal structural support for pathogenicity and has been observed more frequently in cases with the relevant disease than in healthy populations. Please note: this variant was assessed in the context of healthy population screening.

Labcorp Genetics (formerly Invitae), Labcorp
Classification: Likely pathogenic for Renal carnitine transport defect. Last evaluated: 2025-03-07. Review status: criteria provided, single submitter. Criteria: Invitae Variant Classification Sherloc (09022015). Collection method: clinical testing. Allele origin: germline.
Comment: This sequence change replaces serine, which is neutral and polar, with leucine, which is neutral and non-polar, at codon 355 of the SLC22A5 protein (p.Ser355Leu). This variant is present in population databases (no rsID available, gnomAD 0.01%). This missense change has been observed in individual(s) with primary carnitine deficiency (PMID: 20574985, 36568374). ClinVar contains an entry for this variant (Variation ID: 1707661). Invitae Evidence Modeling of protein sequence and biophysical properties (such as structural, functional, and spatial information, amino acid conservation, physicochemical variation, residue mobility, and thermodynamic stability) indicates that this missense variant is expected to disrupt SLC22A5 protein function with a positive predictive value of 95%. Experimental studies have shown that this missense change affects SLC22A5 function (PMID: 28841266, 36343260). In summary, the currently available evidence indicates that the variant is pathogenic, but additional data are needed to prove that conclusively. Therefore, this variant has been classified as Likely Pathogenic.

Fulgent Genetics
Classification: Likely pathogenic for Renal carnitine transport defect. Last evaluated: 2024-06-15. Review status: criteria provided, single submitter. Criteria: ACMG Guidelines, 2015. Collection method: clinical testing. Allele origin: germline.

Women's Health and Genetics/Laboratory Corporation of America, LabCorp
Classification: Likely pathogenic for Renal carnitine transport defect. Last evaluated: 2024-06-14. Review status: criteria provided, single submitter. Criteria: LabCorp Variant Classification Summary - May 2015. Collection method: clinical testing. Allele origin: germline.
Comment: Variant summary: SLC22A5 c.1064C>T (p.Ser355Leu) results in a non-conservative amino acid change located in the Major facilitator superfamily domain (IPR020846) of the encoded protein sequence. Four of five in-silico tools predict a benign effect of the variant on protein function. The variant allele was found at a frequency of 8e-06 in 251464 control chromosomes. c.1064C>T has been reported in the literature in the singly heterozygous and presumed compound heterozygous states in at least 2 individuals affected with clinical or biochemical features of Systemic Primary Carnitine Deficiency (example, Chang_2022, Li_2010). Two publications assessed this variant for transport activity in vitro in CHO and HEK293T cell lines, and found that activity was <5% of wild type controls (example, Frigeni_2017, Koleske_2022). The following publications have been ascertained in the context of this evaluation (PMID: 36568374, 28841266, 36343260, 20574985). ClinVar contains an entry for this variant (Variation ID: 1707661). Based on the evidence outlined above, the variant was classified as likely pathogenic.

Giacomini Lab, University of California, San Francisco
Classification: Uncertain significance for Renal carnitine transport defect. Last evaluated: 2022-10-03. Review status: flagged submission. Criteria: ACMG Guidelines, 2015. Collection method: research, in vitro. Allele origin: germline, not applicable. Not counted in ClinVar's aggregate classification.
ClinVar note: Reason: Older and outlier claim with insufficient supporting evidence

Literature cited by the submitters: PubMed 20574985 (cited by 3 submitters); PubMed 28841266 (cited by 3 submitters); PubMed 36343260 (cited by 3 submitters); PubMed 36568374 (cited by 3 submitters).